The following is an entry in ClinVar:

NM_015308.5(FNBP4):c.2348C>G (p.Ser783Cys)

Gene: FNBP4 (formin binding protein 4; minus strand). Cytogenetic location: 11p11.2.
Variant type: single nucleotide variant.
Coding change: c.2348C>G on transcript NM_015308.5 (MANE Select); coding-DNA position 2348, C replaced by G.
Protein change: p.Ser783Cys; replaces serine 783 with cysteine.
Molecular consequence: missense variant.
Genome position (GRCh38, 1-based): chr11:47,724,144, G>C on the plus strand (C>G on the coding strand, the complement: FNBP4 is on the minus strand). VCF-style: chr11-47724144-G-C. GRCh37 (hg19) VCF-style: chr11-47745696-G-C.
Other names: c.2354C>G, p.Ser785Cys (NM_001318339.4); short protein forms S785C, S783C.
Identifiers: ClinVar variation 784520 (VCV000784520.5), dbSNP rs138653244, ClinGen allele CA5979700.
Genomic context (GRCh38, chr11:47,724,144, plus strand): 5'-CTCTGAACCACTGCAGTGCTAATTTCTGTAGCTTTCCTCTTTATTCCTTTAGTGGAAGAA[G>C]AACTAGAGATGGTGGAATCAACTGAACTCTGAAACACAAACATTTGTTATCAGTGGCTGA-3'
Protein context (NP_056123.2, residues 773-793): QSSVDSTISS[Ser783Cys]SSTKGIKRKA

ClinVar aggregate classification (germline): Benign. Review status: criteria provided, multiple submitters, no conflicts (2 of 4 stars). 3 submissions from 3 submitters: Benign (3). Last evaluated 2019-10-16.

Allele frequency attached by ClinVar (database versions not stated): gnomAD 0.00847 and 0.00816; gnomAD exomes 0.00962 and 0.00615; TOPMed 0.00272; ESP Exome Variant Server 0.00318; 1000 Genomes Project 0.00319; ExAC 0.00834; 1000 Genomes Project 30x 0.00250.
gnomAD v4.1: 10,165 of 1,614,130 alleles (0.63%); highest among the groups gnomAD compares: Non-Finnish European, 0.44%; 175 homozygotes.

Submissions (3):

GeneDx
Classification: Benign. Last evaluated: 2019-10-16. Review status: criteria provided, single submitter. Criteria: GeneDx Variant Classification Process June 2021. Collection method: clinical testing. Allele origin: germline. Affected: yes.
Comment: This variant is associated with the following publications: (PMID: 30653986)

Labcorp Genetics (formerly Invitae), Labcorp
Classification: Benign. Last evaluated: 2018-08-15. Review status: criteria provided, single submitter. Criteria: Invitae Variant Classification Sherloc (09022015). Collection method: clinical testing. Allele origin: germline.

Breakthrough Genomics
Classification: Benign. Review status: criteria provided, single submitter. Criteria: ACMG Guidelines, 2015. Collection method: not provided. Allele origin: germline. Inheritance: Unknown mechanism. Affected: yes.